The following is an entry in ClinVar:

NM_012233.3(RAB3GAP1):c.362+5G>A

Gene: RAB3GAP1 (RAB3 GTPase activating protein catalytic subunit 1; plus strand). Cytogenetic location: 2q21.3.
Variant type: single nucleotide variant.
Coding change: c.362+5G>A on transcript NM_012233.3 (MANE Select); 5 bases into the intron after coding-DNA position 362, G replaced by A.
Molecular consequence: intron variant.
Genome position (GRCh38, 1-based): chr2:135,093,698, G>A. VCF-style: chr2-135093698-G-A. GRCh37 (hg19) VCF-style: chr2-135851268-G-A.
Other names: c.362+5G>A (NM_001172435.2).
Identifiers: ClinVar variation 3687161 (VCV003687161.2).

ClinVar aggregate classification (germline): Uncertain significance (1 of 4 stars; one submission).

gnomAD v4.1: 2 of 1,601,638 alleles (0.00012%); highest among the groups gnomAD compares: Admixed American, 0.0017%; no homozygotes.

Submission:

Labcorp Genetics (formerly Invitae), Labcorp
Classification: Uncertain significance. Last evaluated: 2024-10-13. Review status: criteria provided, single submitter. Criteria: Invitae Variant Classification Sherloc (09022015). Collection method: clinical testing. Allele origin: germline.
Comment: This sequence change falls in intron 5 of the RAB3GAP1 gene. It does not directly change the encoded amino acid sequence of the RAB3GAP1 protein. It affects a nucleotide within the consensus splice site. This variant is present in population databases (no rsID available, gnomAD 0.003%). This variant has not been reported in the literature in individuals affected with RAB3GAP1-related conditions. Variants that disrupt the consensus splice site are a relatively common cause of aberrant splicing (PMID: 17576681, 9536098). Algorithms developed to predict the effect of sequence changes on RNA splicing suggest that this variant may disrupt the consensus splice site. In summary, the available evidence is currently insufficient to determine the role of this variant in disease. Therefore, it has been classified as a Variant of Uncertain Significance.

Literature cited by the submitters: PubMed 17576681; PubMed 9536098.